The following is an entry in ClinVar:

NM_000256.3(MYBPC3):c.1636G>A (p.Glu546Lys)

Gene: MYBPC3 (myosin binding protein C3; minus strand). Cytogenetic location: 11p11.2.
Variant type: single nucleotide variant.
Coding change: c.1636G>A on transcript NM_000256.3 (MANE Select); coding-DNA position 1636, G replaced by A.
Protein change: p.Glu546Lys; replaces glutamic acid 546 with lysine.
Molecular consequence: missense variant.
Genome position (GRCh38, 1-based): chr11:47,342,145, C>T on the plus strand (G>A on the coding strand, the complement: MYBPC3 is on the minus strand). VCF-style: chr11-47342145-C-T. GRCh37 (hg19) VCF-style: chr11-47363696-C-T.
Other names: short protein forms E546K.
Identifiers: ClinVar variation 1425761 (VCV001425761.9), dbSNP rs1274833977, ClinGen allele CA046317.

ClinVar aggregate classification (germline): Uncertain significance. Review status: criteria provided, multiple submitters, no conflicts (2 of 4 stars). 2 submissions from 2 submitters: Uncertain significance (2). Last evaluated 2023-03-28.

Conditions:
Hypertrophic cardiomyopathy. Also called: HYPERTROPHIC MYOCARDIOPATHY. Identifiers: Orphanet 217569, MedGen C0007194, MeSH D002312, MONDO:0005045, HP:0001639.

Allele frequency attached by ClinVar (database versions not stated): gnomAD exomes below 0.00001.
gnomAD v4.1: 1 of 1,613,978 alleles (0.000062%); highest among the groups gnomAD compares: Non-Finnish European, 0.000085%; no homozygotes.

Submissions (2):

All of Us Research Program, National Institutes of Health
Classification: Uncertain significance for Hypertrophic cardiomyopathy. Last evaluated: 2023-03-28. Review status: criteria provided, single submitter. Criteria: ACMG Guidelines, 2015. Collection method: clinical testing. Allele origin: germline. Inheritance: Autosomal dominant inheritance. Observed: 1 variant allele, 1 heterozygote.
Comment: This study involves interpretation of variants in research participants for the purpose of population health screening. Participant phenotype was not available at the time of variant classification. Additional details can be found in publication PMID: 35346344, PMCID: PMC8962531

Labcorp Genetics (formerly Invitae), Labcorp
Classification: Uncertain significance for Hypertrophic cardiomyopathy. Last evaluated: 2022-07-19. Review status: criteria provided, single submitter. Criteria: Invitae Variant Classification Sherloc (09022015). Collection method: clinical testing. Allele origin: germline.
Comment: In summary, the available evidence is currently insufficient to determine the role of this variant in disease. Therefore, it has been classified as a Variant of Uncertain Significance. Algorithms developed to predict the effect of missense changes on protein structure and function (SIFT, PolyPhen-2, Align-GVGD) all suggest that this variant is likely to be disruptive. ClinVar contains an entry for this variant (Variation ID: 1425761). This variant has not been reported in the literature in individuals affected with MYBPC3-related conditions. This variant is not present in population databases (gnomAD no frequency). This sequence change replaces glutamic acid, which is acidic and polar, with lysine, which is basic and polar, at codon 546 of the MYBPC3 protein (p.Glu546Lys).